The following is an entry in ClinVar:

ClinVar aggregate classification (germline): Pathogenic (1 of 4 stars; one submission).

Conditions:
Charcot-Marie-Tooth disease type 4. Also called: Charcot-Marie-Tooth disease, type IV; Charcot-Marie-Tooth, Type 4. Identifiers: Orphanet 64749, MedGen C4082197, MONDO:0018995.

Submission:

Labcorp Genetics (formerly Invitae), Labcorp
Classification: Pathogenic for Charcot-Marie-Tooth disease type 4. Last evaluated: 2023-02-09. Review status: criteria provided, single submitter. Criteria: Invitae Variant Classification Sherloc (09022015). Collection method: clinical testing. Allele origin: germline.
Comment: This variant is not present in population databases (gnomAD no frequency). For these reasons, this variant has been classified as Pathogenic. Algorithms developed to predict the effect of sequence changes on RNA splicing suggest that this variant may create or strengthen a splice site. This variant has not been reported in the literature in individuals affected with NDRG1-related conditions. This sequence change creates a premature translational stop signal (p.Tyr110*) in the NDRG1 gene. It is expected to result in an absent or disrupted protein product. Loss-of-function variants in NDRG1 are known to be pathogenic (PMID: 12872253, 23996628).

Literature cited by the submitters: PubMed 12872253; PubMed 23996628.

NM_006096.4(NDRG1):c.330C>G (p.Tyr110Ter)

Gene: NDRG1 (N-myc downstream regulated 1; minus strand). Cytogenetic location: 8q24.22.
Variant type: single nucleotide variant.
Coding change: c.330C>G on transcript NM_006096.4 (MANE Select); coding-DNA position 330, C replaced by G.
Protein change: p.Tyr110Ter; replaces tyrosine 110 with a stop codon.
Molecular consequence: nonsense.
Genome position (GRCh38, 1-based): chr8:133,259,227, G>C on the plus strand (C>G on the coding strand, the complement: NDRG1 is on the minus strand). VCF-style: chr8-133259227-G-C. GRCh37 (hg19) VCF-style: chr8-134271470-G-C.
Other names: c.330C>G, p.Tyr110Ter (NM_001135242.2, NM_001374844.1, NM_001374845.1 and 1 more transcripts); c.132C>G, p.Tyr44Ter (NM_001258432.2, NM_001374847.1); c.87C>G, p.Tyr29Ter (NM_001258433.2); short protein forms Y110*, Y29*, Y44*.
Identifiers: ClinVar variation 2825304 (VCV002825304.3), dbSNP rs2538059618, ClinGen allele CA372256115.